The following is an entry in ClinVar:

NM_152703.5(SAMD9L):c.3799T>G (p.Cys1267Gly)

Gene: SAMD9L (sterile alpha motif domain containing 9 like; minus strand). Cytogenetic location: 7q21.2.
Variant type: single nucleotide variant.
Coding change: c.3799T>G on transcript NM_152703.5 (MANE Select); coding-DNA position 3799, T replaced by G.
Protein change: p.Cys1267Gly; replaces cysteine 1267 with glycine.
Molecular consequence: missense variant.
Genome position (GRCh38, 1-based): chr7:93,132,173, A>C on the plus strand (T>G on the coding strand, the complement: SAMD9L is on the minus strand). VCF-style: chr7-93132173-A-C. GRCh37 (hg19) VCF-style: chr7-92761486-A-C.
Other names: c.3799T>G, p.Cys1267Gly (NM_001303496.3, NM_001303497.3, NM_001303498.3 and 5 more transcripts); short protein forms C1267G.
Identifiers: ClinVar variation 3437185 (VCV003437185.3).

ClinVar aggregate classification (germline): Uncertain significance. Review status: criteria provided, multiple submitters, no conflicts (2 of 4 stars). 2 submissions from 2 submitters: Uncertain significance (2). Last evaluated 2024-11-26.

Conditions:
Inborn genetic diseases. Identifiers: MedGen C0950123, MeSH D030342.

Submissions (2):

Ambry Genetics
Classification: Uncertain significance for Inborn genetic diseases. Last evaluated: 2024-11-26. Review status: criteria provided, single submitter. Criteria: Ambry Variant Classification Scheme 2023. Collection method: clinical testing. Allele origin: germline.
Comment: The p.C1267G variant (also known as c.3799T>G), located in coding exon 1 of the SAMD9L gene, results from a T to G substitution at nucleotide position 3799. The cysteine at codon 1267 is replaced by glycine, an amino acid with highly dissimilar properties. This amino acid position is conserved. In addition, this alteration is predicted to be tolerated by in silico analysis. Based on the available evidence, the clinical significance of this variant remains unclear.

Labcorp Genetics (formerly Invitae), Labcorp
Classification: Uncertain significance. Last evaluated: 2024-08-17. Review status: criteria provided, single submitter. Criteria: Invitae Variant Classification Sherloc (09022015). Collection method: clinical testing. Allele origin: germline.
Comment: This sequence change replaces cysteine, which is neutral and slightly polar, with glycine, which is neutral and non-polar, at codon 1267 of the SAMD9L protein (p.Cys1267Gly). This variant is not present in population databases (gnomAD no frequency). This variant has not been reported in the literature in individuals affected with SAMD9L-related conditions. Invitae Evidence Modeling of protein sequence and biophysical properties (such as structural, functional, and spatial information, amino acid conservation, physicochemical variation, residue mobility, and thermodynamic stability) indicates that this missense variant is not expected to disrupt SAMD9L protein function with a negative predictive value of 80%. In summary, the available evidence is currently insufficient to determine the role of this variant in disease. Therefore, it has been classified as a Variant of Uncertain Significance.